The following is an entry in ClinVar:

ClinVar aggregate classification (germline): Uncertain significance (1 of 4 stars; one submission).

Conditions:
Inborn genetic diseases. Identifiers: MedGen C0950123, MeSH D030342.

Submission:

Ambry Genetics
Classification: Uncertain significance for Inborn genetic diseases. Last evaluated: 2024-12-21. Review status: criteria provided, single submitter. Criteria: Ambry Variant Classification Scheme 2023. Collection method: clinical testing. Allele origin: germline.
Comment: The p.S509T variant (also known as c.1526G>C), located in coding exon 12 of the ASXL1 gene, results from a G to C substitution at nucleotide position 1526. The serine at codon 509 is replaced by threonine, an amino acid with similar properties. This amino acid position is conserved. In addition, this alteration is predicted to be tolerated by in silico analysis. Based on the available evidence, the clinical significance of this variant remains unclear.

NM_015338.6(ASXL1):c.1526G>C (p.Ser509Thr)

Gene: ASXL1 (ASXL transcriptional regulator 1; plus strand). Cytogenetic location: 20q11.21.
Variant type: single nucleotide variant.
Coding change: c.1526G>C on transcript NM_015338.6 (MANE Select); coding-DNA position 1526, G replaced by C.
Protein change: p.Ser509Thr; replaces serine 509 with threonine.
Molecular consequence: missense variant.
Genome position (GRCh38, 1-based): chr20:32,433,724, G>C. VCF-style: chr20-32433724-G-C. GRCh37 (hg19) VCF-style: chr20-31021527-G-C.
Other names: c.1343G>C, p.Ser448Thr (NM_001363734.1); short protein forms S448T, S509T.
Identifiers: ClinVar variation 3791569 (VCV003791569.1).
Genomic context (GRCh38, chr20:32,433,724, plus strand): 5'-GGATCCAGGCTGAGCCAGACAACTTGGCACGTGCCTCTGCATCTCCAGACAGAATTCCTA[G>C]CCTGCCTCAGGAAACTGTGGATCAGGAACCCAAGGATCAGAAGAGGAAATCCTTTGAGCA-3'
Protein context (NP_056153.2, residues 499-519): RASASPDRIP[Ser509Thr]LPQETVDQEP